The following is an entry in ClinVar:

ClinVar aggregate classification (germline): Uncertain significance (1 of 4 stars; one submission).

Submission:

GeneDx
Classification: Uncertain significance. Last evaluated: 2026-09-24. Review status: criteria provided, single submitter. Criteria: GeneDx Variant Classification Process June 2021. Collection method: clinical testing. Allele origin: germline.
Comment: Not observed at significant frequency in large population cohorts (gnomAD); In silico analysis supports that this missense variant has a deleterious effect on protein structure/function; Has not been previously published as pathogenic or benign to our knowledge

NM_000334.4(SCN4A):c.4729T>C (p.Phe1577Leu)

Genes: GH-LCR (growth hormone locus control region; plus strand), SCN4A (sodium voltage-gated channel alpha subunit 4; minus strand). Cytogenetic location: 17q23.3.
Variant type: single nucleotide variant.
Coding change: c.4729T>C on transcript NM_000334.4 (MANE Select); coding-DNA position 4729, T replaced by C.
Protein change: p.Phe1577Leu; replaces phenylalanine 1577 with leucine.
Molecular consequence: missense variant.
Genome position (GRCh38, 1-based): chr17:63,941,553, A>G on the plus strand (T>C on the coding strand, the complement: SCN4A is on the minus strand). VCF-style: chr17-63941553-A-G. GRCh37 (hg19) VCF-style: chr17-62018913-A-G.
Other names: short protein forms F1577L.
Identifiers: ClinVar variation 3367726 (VCV003367726.3).